The following is an entry in ClinVar:

NM_001042492.3(NF1):c.2589T>G (p.Tyr863Ter)

Gene: NF1 (neurofibromin 1; plus strand). Cytogenetic location: 17q11.2.
Variant type: single nucleotide variant.
Coding change: c.2589T>G on transcript NM_001042492.3 (MANE Select); coding-DNA position 2589, T replaced by G.
Protein change: p.Tyr863Ter; replaces tyrosine 863 with a stop codon.
Molecular consequence: nonsense.
Genome position (GRCh38, 1-based): chr17:31,229,204, T>G. VCF-style: chr17-31229204-T-G. GRCh37 (hg19) VCF-style: chr17-29556222-T-G.
Other names: c.2589T>G, p.Tyr863Ter (NM_000267.4); short protein forms Y863*.
Identifiers: ClinVar variation 142911 (VCV000142911.3), dbSNP rs587782814, ClinGen allele CA169728.

ClinVar aggregate classification (germline): Pathogenic (1 of 4 stars; one submission).

Conditions:
Hereditary cancer-predisposing syndrome. Also called: Hereditary Cancer Syndrome; Neoplastic Syndromes, Hereditary; Hereditary neoplastic syndrome; Tumor predisposition. Identifiers: Orphanet 140162, MedGen C0027672, MeSH D009386, MONDO:0015356.

Submission:

Ambry Genetics
Classification: Pathogenic for Hereditary cancer-predisposing syndrome. Last evaluated: 2014-04-01. Review status: criteria provided, single submitter. Criteria: Ambry Autosomal Dominant and X-Linked criteria (10/2015). Collection method: clinical testing. Allele origin: germline. Observed: 1 variant allele.
Comment: The p.Y863* pathogenic mutation (also known as c.2589T>G) located in coding exon 21 of the NF1 gene, results from a T to G substitution at nucleotide position 2589. This changes the amino acid from a tyrosine to a stop codon within coding exon 21. Since premature stop codons are typically deleterious in nature, this alteration is interpreted as a disease-causing mutation (ACMG Recommendations for Standards for Interpretation and Reporting of Sequence Variations. Revision 2007. Genet Med. 2008;10:294).